The following is an entry in ClinVar:

ClinVar aggregate classification (germline): Uncertain significance (1 of 4 stars; one submission).

Conditions:
RALGAPB-related disorder. Also called: RALGAPB-related condition.

gnomAD v4.1: 3 of 1,613,492 alleles (0.00019%); highest among the groups gnomAD compares: Non-Finnish European, 0.00025%; no homozygotes.

Submission:

PreventionGenetics, part of Exact Sciences
Classification: Uncertain significance for RALGAPB-related condition. Last evaluated: 2026-04-28. Review status: criteria provided, single submitter. Criteria: ACMG Guidelines, 2015. Collection method: clinical testing. Allele origin: germline.
Comment: The RALGAPB c.3805G>A variant is predicted to result in the amino acid substitution p.Val1269Met. To our knowledge, this variant has not been reported in the literature or in a large population database (gnomAD), indicating this variant is rare. At this time, the clinical significance of this variant is uncertain due to the absence of conclusive functional and genetic evidence.

NM_020336.4(RALGAPB):c.3805G>A (p.Val1269Met)

Gene: RALGAPB (Ral GTPase activating protein non-catalytic subunit beta; plus strand). Cytogenetic location: 20q11.23.
Variant type: single nucleotide variant.
Coding change: c.3805G>A on transcript NM_020336.4 (MANE Select); coding-DNA position 3805, G replaced by A.
Protein change: p.Val1269Met; replaces valine 1269 with methionine.
Molecular consequence: missense variant.
Genome position (GRCh38, 1-based): chr20:38,565,466, G>A. VCF-style: chr20-38565466-G-A. GRCh37 (hg19) VCF-style: chr20-37194109-G-A.
Other names: c.3805G>A, p.Val1269Met (NM_001282917.2); c.3796G>A, p.Val1266Met (NM_001282918.2); short protein forms V1266M, V1269M.
Identifiers: ClinVar variation 4995689 (VCV004995689.1).
Genomic context (GRCh38, chr20:38,565,466, plus strand): 5'-AAGAAGGTGCTGTATTATGCTGATGCCCTTACAGAAATTGCTTTTGTGGTTCCTTCTCCT[G>A]TGGAGTCCTTAAGTAAGATGATTTTTGCATGGTCCTGTTTTAGGATCTATTTTTATATTC-3'
Protein context (NP_065069.1, residues 1259-1279): TEIAFVVPSP[Val1269Met]ESLTDSLESN